The following is an entry in ClinVar:

NM_001372.4(DNAH9):c.4082G>A (p.Ser1361Asn)

Gene: DNAH9 (dynein axonemal heavy chain 9; plus strand). Cytogenetic location: 17p12.
Variant type: single nucleotide variant.
Coding change: c.4082G>A on transcript NM_001372.4 (MANE Select); coding-DNA position 4082, G replaced by A.
Protein change: p.Ser1361Asn; replaces serine 1361 with asparagine.
Molecular consequence: missense variant.
Genome position (GRCh38, 1-based): chr17:11,689,904, G>A. VCF-style: chr17-11689904-G-A. GRCh37 (hg19) VCF-style: chr17-11593221-G-A.
Other names: c.4082G>A (NM_001372.3); short protein forms S1361N.
Identifiers: ClinVar variation 1910700 (VCV001910700.5), dbSNP rs1206487713, ClinGen allele CA398186381.
Genomic context (GRCh38, chr17:11,689,904, plus strand): 5'-GGCATATCCGAAACCTGGACAAGGAGGTCAGGGCCTGGGATGCATTCACAGGCCTGGAAA[G>A]CACTGTGTGGAACACGCTGAGCTCCCTGAGGGCAGTAGCTGAGCTGCAGAATCCAGCCAT-3'
Protein context (NP_001363.2, residues 1351-1371): RAWDAFTGLE[Ser1361Asn]TVWNTLSSLR

ClinVar aggregate classification (germline): Uncertain significance. Review status: criteria provided, multiple submitters, no conflicts (2 of 4 stars). 2 submissions from 2 submitters: Uncertain significance (2). Last evaluated 2025-06-18.

Conditions:
Inborn genetic diseases. Identifiers: MedGen C0950123, MeSH D030342.

Allele frequency attached by ClinVar (database versions not stated): gnomAD exomes below 0.00001; TOPMed below 0.00001.
gnomAD v4.1: 3 of 1,608,520 alleles (0.00019%); highest among the groups gnomAD compares: Non-Finnish European, 0.000085%; no homozygotes.

Submissions (2):

Ambry Genetics
Classification: Uncertain significance for Inborn genetic diseases. Last evaluated: 2025-06-18. Review status: criteria provided, single submitter. Criteria: Ambry Variant Classification Scheme 2023. Collection method: clinical testing. Allele origin: germline.

Labcorp Genetics (formerly Invitae), Labcorp
Classification: Uncertain significance. Last evaluated: 2022-03-04. Review status: criteria provided, single submitter. Criteria: Invitae Variant Classification Sherloc (09022015). Collection method: clinical testing. Allele origin: germline.
Comment: This sequence change replaces serine, which is neutral and polar, with asparagine, which is neutral and polar, at codon 1361 of the DNAH9 protein (p.Ser1361Asn). This variant is not present in population databases (gnomAD no frequency). This variant has not been reported in the literature in individuals affected with DNAH9-related conditions. Algorithms developed to predict the effect of missense changes on protein structure and function output the following: SIFT: "Tolerated"; PolyPhen-2: "Benign"; Align-GVGD: "Class C0". The asparagine amino acid residue is found in multiple mammalian species, which suggests that this missense change does not adversely affect protein function. In summary, the available evidence is currently insufficient to determine the role of this variant in disease. Therefore, it has been classified as a Variant of Uncertain Significance.